The following is an entry in ClinVar:

NM_001080414.4(CCDC88C):c.103C>G (p.Leu35Val)

Gene: CCDC88C (coiled-coil and HOOK domain protein 88C; minus strand). Cytogenetic location: 14q32.12.
Variant type: single nucleotide variant.
Coding change: c.103C>G on transcript NM_001080414.4 (MANE Select); coding-DNA position 103, C replaced by G.
Protein change: p.Leu35Val; replaces leucine 35 with valine.
Molecular consequence: missense variant. On other transcripts: non-coding transcript variant (2).
Genome position (GRCh38, 1-based): chr14:91,416,796, G>C on the plus strand (C>G on the coding strand, the complement: CCDC88C is on the minus strand). VCF-style: chr14-91416796-G-C. GRCh37 (hg19) VCF-style: chr14-91883140-G-C.
Other names: short protein forms L35V.
Identifiers: ClinVar variation 4681547 (VCV004681547.5).
Genomic context (GRCh38, chr14:91,416,796, plus strand): 5'-ACATTTGCAGCATAATTTGGTTCAAAAAGATGCCGTCCACTAAATCCATGTACATAGTCA[G>C]GTTGTCCTGGCTGCCGCTTCCAAACGGGCCAAAAGTTTTCACCTGCGGGGAGGGGGACGA-3'
Protein context (NP_001073883.2, residues 25-45): GPFGSGSQDN[Leu35Val]TMYMDLVDGI

ClinVar aggregate classification (germline): Uncertain significance (1 of 4 stars; one submission).

gnomAD v4.1: 5 of 1,613,714 alleles (0.00031%); highest among the groups gnomAD compares: Middle Eastern, 0.016%; no homozygotes.

Submission:

CeGaT Center for Human Genetics Tuebingen
Classification: Uncertain significance. Last evaluated: 2025-12-01. Review status: criteria provided, single submitter. Criteria: CeGaT Center For Human Genetics Tuebingen Variant Classification Criteria Version 2. Collection method: clinical testing. Allele origin: germline. Affected: yes. Observed: 1 variant allele.
Comment: CCDC88C: PM2, BP4